The following is an entry in ClinVar:

ClinVar aggregate classification (germline): Uncertain significance. Review status: criteria provided, multiple submitters, no conflicts (2 of 4 stars). 2 submissions from 2 submitters: Uncertain significance (2). Last evaluated 2025-02-08.

Conditions:
Inborn genetic diseases. Identifiers: MedGen C0950123, MeSH D030342.
Primary ciliary dyskinesia. Also called: Ciliary dyskinesia. Identifiers: Orphanet 244, MedGen C0008780, MONDO:0016575, HP:0012265.

gnomAD v4.1: 4 of 1,613,986 alleles (0.00025%); highest among the groups gnomAD compares: African/African-American, 0.0013%; no homozygotes.

Submissions (2):

Ambry Genetics
Classification: Uncertain significance for Inborn genetic diseases. Last evaluated: 2025-02-08. Review status: criteria provided, single submitter. Criteria: Ambry Variant Classification Scheme 2023. Collection method: clinical testing. Allele origin: germline.

Labcorp Genetics (formerly Invitae), Labcorp
Classification: Uncertain significance for Primary ciliary dyskinesia. Last evaluated: 2024-02-24. Review status: criteria provided, single submitter. Criteria: Invitae Variant Classification Sherloc (09022015). Collection method: clinical testing. Allele origin: germline.
Comment: This sequence change replaces glutamic acid, which is acidic and polar, with aspartic acid, which is acidic and polar, at codon 396 of the DRC1 protein (p.Glu396Asp). This variant is present in population databases (no rsID available, gnomAD 0.01%). This variant has not been reported in the literature in individuals affected with DRC1-related conditions. ClinVar contains an entry for this variant (Variation ID: 2094013). Algorithms developed to predict the effect of missense changes on protein structure and function output the following: SIFT: "Not Available"; PolyPhen-2: "Benign"; Align-GVGD: "Not Available". The aspartic acid amino acid residue is found in multiple mammalian species, which suggests that this missense change does not adversely affect protein function. Algorithms developed to predict the effect of sequence changes on RNA splicing suggest that this variant may disrupt the consensus splice site. In summary, the available evidence is currently insufficient to determine the role of this variant in disease. Therefore, it has been classified as a Variant of Uncertain Significance.

NM_145038.5(DRC1):c.1188G>T (p.Glu396Asp)

Gene: DRC1 (dynein regulatory complex subunit 1; plus strand). Cytogenetic location: 2p23.3.
Variant type: single nucleotide variant.
Coding change: c.1188G>T on transcript NM_145038.5 (MANE Select); coding-DNA position 1188, G replaced by T.
Protein change: p.Glu396Asp; replaces glutamic acid 396 with aspartic acid.
Molecular consequence: missense variant.
Genome position (GRCh38, 1-based): chr2:26,444,740, G>T. VCF-style: chr2-26444740-G-T. GRCh37 (hg19) VCF-style: chr2-26667608-G-T.
Other names: c.1188G>T (NM_145038.2); short protein forms E396D.
Identifiers: ClinVar variation 2094013 (VCV002094013.5), dbSNP rs374257901, ClinGen allele CA346109905.
Genomic context (GRCh38, chr2:26,444,740, plus strand): 5'-GGCCAGCTGGCCATGCTCTGTGACTCTCCTTCACAGGCATTTTGCTCTTATTGATGATGA[G>T]AAGTTTTGGGAGATTTGGCTGATGAATGAAGAGGAGGCGAAGGACCTAATAGCCAGAGCC-3'
Protein context (NP_659475.2, residues 386-406): AMRHFALIDD[Glu396Asp]KFWEIWLMNE